The following is an entry in ClinVar:

NM_181303.2(NLGN3):c.1685C>T (p.Thr562Ile)

Gene: NLGN3 (neuroligin 3; plus strand). Cytogenetic location: Xq13.1.
Variant type: single nucleotide variant.
Coding change: c.1685C>T on transcript NM_181303.2 (MANE Select); coding-DNA position 1685, C replaced by T.
Protein change: p.Thr562Ile; replaces threonine 562 with isoleucine.
Molecular consequence: missense variant.
Genome position (GRCh38, 1-based): chrX:71,167,782, C>T. VCF-style: chrX-71167782-C-T. GRCh37 (hg19) VCF-style: chrX-70387632-C-T.
Other names: c.1565C>T, p.Thr522Ile (NM_001166660.2); c.1274C>T, p.Thr425Ile (NM_001321276.2); c.1625C>T, p.Thr542Ile (NM_018977.4); short protein forms T425I, T522I, T542I, T562I.
Identifiers: ClinVar variation 3359009 (VCV003359009.2).
Genomic context (GRCh38, chrX:71,167,782, plus strand): 5'-TCCCCTGCAACTTCTCCAAGAATGATGTTATGCTCAGTGCTGTCGTCATGACCTATTGGA[C>T]CAACTTTGCCAAGACTGGGTAAGGAGAAAATAGGGTTTTTTTCCTCTTTGAGACCCCAGC-3'
Protein context (NP_851820.1, residues 552-572): MLSAVVMTYW[Thr562Ile]NFAKTGDPNK

ClinVar aggregate classification (germline): Uncertain significance (1 of 4 stars; one submission).

Conditions:
Autism, susceptibility to, X-linked 1 (AUTSX1). Also called: Autism susceptibility, X-linked 1. Identifiers: MedGen C1845540, MONDO:0010321, OMIM 300425.

Submission:

Institute of Human Genetics, University of Leipzig Medical Center
Classification: Uncertain significance for Autism, susceptibility to, X-linked 1. Last evaluated: 2024-07-25. Review status: criteria provided, single submitter. Criteria: ACMG Guidelines, 2015. Collection method: clinical testing. Allele origin: maternal. Inheritance: X-linked dominant inheritance. Affected: yes.
Comment: Criteria applied: PM2,PP2,PP3